The following is an entry in ClinVar:

ClinVar aggregate classification (germline): Uncertain significance. Review status: criteria provided, multiple submitters, no conflicts (2 of 4 stars). 2 submissions from 2 submitters: Uncertain significance (2). Last evaluated 2025-12-04.

Conditions:
Inborn genetic diseases. Identifiers: MedGen C0950123, MeSH D030342.

Allele frequency attached by ClinVar (database versions not stated): ExAC 0.00001; gnomAD 0.00004 and 0.00002; TOPMed 0.00006; gnomAD exomes 0.00001 and 0.00003.
gnomAD v4.1: 16 of 1,613,924 alleles (0.00099%); highest among the groups gnomAD compares: Admixed American, 0.02%; no homozygotes.

Submissions (2):

Ambry Genetics
Classification: Uncertain significance for Inborn genetic diseases. Last evaluated: 2025-12-04. Review status: criteria provided, single submitter. Criteria: Ambry Variant Classification Scheme 2023. Collection method: clinical testing. Allele origin: germline.

Labcorp Genetics (formerly Invitae), Labcorp
Classification: Uncertain significance. Last evaluated: 2023-12-07. Review status: criteria provided, single submitter. Criteria: Invitae Variant Classification Sherloc (09022015). Collection method: clinical testing. Allele origin: germline.
Comment: This sequence change replaces methionine, which is neutral and non-polar, with threonine, which is neutral and polar, at codon 409 of the TTC37 protein (p.Met409Thr). This variant is present in population databases (rs780440014, gnomAD 0.02%). This variant has not been reported in the literature in individuals affected with TTC37-related conditions. ClinVar contains an entry for this variant (Variation ID: 1470374). An algorithm developed to predict the effect of missense changes on protein structure and function (PolyPhen-2) suggests that this variant¬†is likely to be tolerated. In summary, the available evidence is currently insufficient to determine the role of this variant in disease. Therefore, it has been classified as a Variant of Uncertain Significance.

NM_014639.4(SKIC3):c.1226T>C (p.Met409Thr)

Gene: SKIC3 (SKI3 subunit of superkiller complex; minus strand). Cytogenetic location: 5q15.
Variant type: single nucleotide variant.
Coding change: c.1226T>C on transcript NM_014639.4 (MANE Select); coding-DNA position 1226, T replaced by C.
Protein change: p.Met409Thr; replaces methionine 409 with threonine.
Molecular consequence: missense variant.
Genome position (GRCh38, 1-based): chr5:95,525,497, A>G on the plus strand (T>C on the coding strand, the complement: SKIC3 is on the minus strand). VCF-style: chr5-95525497-A-G. GRCh37 (hg19) VCF-style: chr5-94861201-A-G.
Other names: c.1226T>C (NM_014639.3); short protein forms M409T.
Identifiers: ClinVar variation 1470374 (VCV001470374.5), dbSNP rs780440014, ClinGen allele CA3347376.